The following is an entry in ClinVar:

NM_001048174.2(MUTYH):c.253T>G (p.Trp85Gly)

Gene: MUTYH (mutY DNA glycosylase; minus strand). Cytogenetic location: 1p34.1.
Variant type: single nucleotide variant.
Coding change: c.253T>G on transcript NM_001048174.2 (MANE Select); coding-DNA position 253, T replaced by G.
Protein change: p.Trp85Gly; replaces tryptophan 85 with glycine.
Molecular consequence: missense variant. On other transcripts: 5 prime UTR variant (6), non-coding transcript variant (7).
Genome position (GRCh38, 1-based): chr1:45,333,424, A>C on the plus strand (T>G on the coding strand, the complement: MUTYH is on the minus strand). VCF-style: chr1-45333424-A-C. GRCh37 (hg19) VCF-style: chr1-45799096-A-C.
Other names: c.253T>G, p.Trp85Gly (NM_001293195.2, NM_001407070.1, NM_001407072.1 and 6 more transcripts); c.-24T>G (NM_001293196.2, NM_001407091.1, NM_001293192.2); c.-19T>G (NM_001350650.2, NM_001350651.2, NM_001407082.1); c.328T>G, p.Trp110Gly (NM_001407069.1, NM_012222.3); c.256T>G, p.Trp86Gly (NM_001407071.1, NM_001407078.1, NM_001407079.1 and 2 more transcripts); c.295T>G, p.Trp99Gly (NM_001407073.1, NM_001407083.1, NM_001407085.1); c.169T>G, p.Trp57Gly (NM_001407075.1); c.286T>G, p.Trp96Gly (NM_001407077.1, NM_001293191.2); and 3 more; short protein forms W100G, W110G, W113G, W57G, W85G, W86G, W92G, W96G.
Identifiers: ClinVar variation 3233037 (VCV003233037.3), dbSNP rs776719541, ClinGen allele CA340136352.

ClinVar aggregate classification (germline): Likely pathogenic. Review status: criteria provided, multiple submitters, no conflicts (2 of 4 stars). 2 submissions from 2 submitters: Likely pathogenic (2). Last evaluated 2026-07-15.

Conditions:
Familial adenomatous polyposis 2. Also called: COLORECTAL ADENOMATOUS POLYPOSIS, AUTOSOMAL RECESSIVE; ADENOMAS, MULTIPLE COLORECTAL, AUTOSOMAL RECESSIVE; MYH-associated polyposis; FAP type 2; MUTYH-associated polyposis; MUTYH Polyposis. Identifiers: Orphanet 220460, Orphanet 247798, MedGen C3272841, MONDO:0012041, OMIM 608456.
Hereditary cancer-predisposing syndrome. Also called: Tumor predisposition; Hereditary neoplastic syndrome; Hereditary Cancer Syndrome; Neoplastic Syndromes, Hereditary. Identifiers: Orphanet 140162, MedGen C0027672, MeSH D009386, MONDO:0015356.

Submissions (2):

Myriad Genetics, Inc.
Classification: Likely pathogenic for Familial adenomatous polyposis 2. Last evaluated: 2026-07-15. Review status: criteria provided, single submitter. Criteria: Myriad Autosomal Dominant, Autosomal Recessive and X-Linked Classification Criteria (2023). Collection method: clinical testing. Allele origin: unknown.
Comment: This variant is considered likely pathogenic. Functional studies indicate this variant impacts protein function [PMID: 40738107]. This variant is expected to disrupt protein structure [Myriad internal data].

Ambry Genetics
Classification: Likely pathogenic for Hereditary cancer-predisposing syndrome. Last evaluated: 2025-08-15. Review status: criteria provided, single submitter. Criteria: Ambry Variant Classification Scheme 2023. Collection method: clinical testing. Allele origin: germline.
Comment: The p.W113G variant (also known as c.337T>G), located in coding exon 3 of the MUTYH gene, results from a T to G substitution at nucleotide position 337. The tryptophan at codon 113 is replaced by glycine, an amino acid with highly dissimilar properties. In a massively parallel cell-based functional assay testing 7,8-dihydro-8-oxoguanine:adenine (8OG:A) repair activity, a byproduct of oxidative damage, this variant was reported to be non-functional (Hemker SL et al. Am J Hum Genet. Published online July 29, 2025. DOI: 10.1016/j.ajhg.2025.07.005). This amino acid position is highly conserved in available vertebrate species. In addition, this alteration is predicted to be deleterious by in silico analysis. This variant is considered to be rare based on population cohorts in the Genome Aggregation Database (gnomAD). Based on the majority of available evidence to date, this variant is likely to be pathogenic.

Literature cited by the submitters: PubMed 40738107 (cited by Myriad Genetics, Inc. and Ambry Genetics).